The following is an entry in ClinVar:

ClinVar aggregate classification (germline): Likely pathogenic. Review status: criteria provided, multiple submitters, no conflicts (2 of 4 stars). 3 submissions from 3 submitters: Likely pathogenic (2). 1 of the submissions does not count toward it. Last evaluated 2021-09-15.

Conditions:
SLC35C1-related disorder. Also called: SLC35C1-related condition.
Leukocyte adhesion deficiency type II. Also called: CDG IIc; CONGENITAL DISORDER OF GLYCOSYLATION, TYPE IIc; Congenital disorder of glycosylation type 2C; CDG 2C; Leukocyte adhesion deficiency type 2; Rambam Hasharon syndrome. Identifiers: Orphanet 2968, Orphanet 99843, MedGen C0398739, MONDO:0009953, OMIM 266265.

Allele frequency attached by ClinVar (database versions not stated): gnomAD exomes below 0.00001.
gnomAD v4.1: 2 of 1,608,540 alleles (0.00012%); highest among the groups gnomAD compares: Non-Finnish European, 0.00017%; no homozygotes.

Submissions (3):

Labcorp Genetics (formerly Invitae), Labcorp
Classification: Likely pathogenic for Leukocyte adhesion deficiency type II. Last evaluated: 2021-09-15. Review status: criteria provided, single submitter. Criteria: Invitae Variant Classification Sherloc (09022015). Collection method: clinical testing. Allele origin: germline.
Comment: In summary, the currently available evidence indicates that the variant is pathogenic, but additional data are needed to prove that conclusively. Therefore, this variant has been classified as Likely Pathogenic. Experimental studies have shown that this missense change affects SLC35C1 function (PMID: 11326279, 11326280, 16455955). Algorithms developed to predict the effect of missense changes on protein structure and function (SIFT, PolyPhen-2, Align-GVGD) all suggest that this variant is likely to be disruptive. ClinVar contains an entry for this variant (Variation ID: 4739). This missense change has been observed in individual(s) with congenital disorder of glycosylation (PMID: 11326279, 11326280). This variant is not present in population databases (ExAC no frequency). This sequence change replaces arginine with cysteine at codon 147 of the SLC35C1 protein (p.Arg147Cys). The arginine residue is highly conserved and there is a large physicochemical difference between arginine and cysteine.

Blueprint Genetics
Classification: Likely pathogenic for SLC35C1-related disorders. Last evaluated: 2020-12-22. Review status: criteria provided, single submitter. Criteria: ACMG Guidelines, 2015. Collection method: clinical testing. Allele origin: germline. Affected: yes. Observed: 1 variant allele.

OMIM
Classification: Pathogenic for CONGENITAL DISORDER OF GLYCOSYLATION, TYPE IIc. Last evaluated: 2001-05-01. Review status: no assertion criteria provided. Collection method: literature only. Allele origin: germline. Not counted in ClinVar's aggregate classification.

Literature cited by the submitters: PubMed 11326279 (cited by Labcorp Genetics (formerly Invitae), Labcorp and OMIM); PubMed 11326280 (cited by Labcorp Genetics (formerly Invitae), Labcorp and OMIM); PubMed 16455955 (cited by Labcorp Genetics (formerly Invitae), Labcorp).

NM_018389.5(SLC35C1):c.439C>T (p.Arg147Cys)

Gene: SLC35C1 (solute carrier family 35 member C1; plus strand). Cytogenetic location: 11p11.2.
Variant type: single nucleotide variant.
Coding change: c.439C>T on transcript NM_018389.5 (MANE Select); coding-DNA position 439, C replaced by T.
Protein change: p.Arg147Cys; replaces arginine 147 with cysteine.
Molecular consequence: missense variant.
Genome position (GRCh38, 1-based): chr11:45,806,240, C>T. VCF-style: chr11-45806240-C-T. GRCh37 (hg19) VCF-style: chr11-45827791-C-T.
Other names: c.400C>T, p.Arg134Cys (NM_001145265.2, NM_001145266.2); short protein forms R147C, R134C.
Identifiers: ClinVar variation 4739 (VCV000004739.7), dbSNP rs28939087, ClinGen allele CA253271.